The following is an entry in ClinVar:

ClinVar aggregate classification (germline): Pathogenic. Review status: criteria provided, single submitter (1 of 4 stars). 2 submissions from 2 submitters: Pathogenic (1). 1 of the submissions does not count toward it. Last evaluated 2020-01-01.

Conditions:
Craniotubular dysplasia, Ikegawa type (CTDI). Identifiers: MedGen C5575335, MONDO:0859226, OMIM 619727.
TMEM53-related craniotubular dysplasia.

Submissions (2):

Laboratory for Bone and Joint Diseases, RIKEN
Classification: Pathogenic for TMEM53-related craniotubular dysplasia. Last evaluated: 2020-01-01. Review status: criteria provided, single submitter. Criteria: ACMG Guidelines, 2015. Collection method: research. Allele origin: germline. Affected: yes.
Comment: the homozyogous variant is related to a novel type of skeletal dysplasia

OMIM
Classification: Pathogenic for CRANIOTUBULAR DYSPLASIA, IKEGAWA TYPE. Last evaluated: 2022-01-27. Review status: no assertion criteria provided. Collection method: literature only. Allele origin: germline. Not counted in ClinVar's aggregate classification.

Literature cited by the submitters: PubMed 33824347 (cited by OMIM).

NM_024587.4(TMEM53):c.219_222dup (p.Val75fs)

Gene: TMEM53 (transmembrane protein 53; minus strand). Cytogenetic location: 1p34.1.
Variant type: Duplication.
Coding change: c.219_222dup on transcript NM_024587.4 (MANE Select); coding-DNA positions 219 to 222, 4 bases duplicated (CATG; older notation c.219_222dupCATG).
Protein change: p.Val75fs; shifts the reading frame from valine 75.
Molecular consequence: frameshift variant. On other transcripts: initiator codon variant (1), intron variant (2).
Genome position (GRCh38, 1-based): chr1:44,655,171-44,655,174, CATG duplicated on the plus strand (CATG on the coding strand, the reverse complement: TMEM53 is on the minus strand). VCF-style (leftmost placement, unchanged base first): chr1-44655170-C-CCATG. GRCh37 (hg19) VCF-style: chr1-45120842-C-CCATG.
Other names: c.-1_3dup, p.Val2fs (NM_001300746.2); c.184-58_184-55dup (NM_001300748.2); c.184-55_184-52dup (NM_001300747.2); c.222_223insCATG (NM_024587.4); short protein forms V2fs, V75fs.
Identifiers: ClinVar variation 986737 (VCV000986737.4), dbSNP rs1644838064, ClinGen allele CA1139656095.